The following is an entry in ClinVar:

NM_004369.4(COL6A3):c.5684C>G (p.Ser1895Trp)

Gene: COL6A3 (collagen type VI alpha 3 chain; minus strand). Cytogenetic location: 2q37.3.
Variant type: single nucleotide variant.
Coding change: c.5684C>G on transcript NM_004369.4 (MANE Select); coding-DNA position 5684, C replaced by G.
Protein change: p.Ser1895Trp; replaces serine 1895 with tryptophan.
Molecular consequence: missense variant.
Genome position (GRCh38, 1-based): chr2:237,365,852, G>C on the plus strand (C>G on the coding strand, the complement: COL6A3 is on the minus strand). VCF-style: chr2-237365852-G-C. GRCh37 (hg19) VCF-style: chr2-238274495-G-C.
Other names: c.3863C>G, p.Ser1288Trp (NM_057166.5); c.5066C>G, p.Ser1689Trp (NM_057167.4); short protein forms S1288W, S1689W, S1895W.
Identifiers: ClinVar variation 2637305 (VCV002637305.1), dbSNP rs760532694, ClinGen allele CA351185934.

ClinVar aggregate classification (germline): Uncertain significance (1 of 4 stars; one submission).

Conditions:
COL6A3-related disorder. Also called: COL6A3-related disorders; COL6A3-related condition.

gnomAD v4.1: 2 of 1,614,206 alleles (0.00012%); highest among the groups gnomAD compares: Non-Finnish European, 0.00017%; no homozygotes.

Submission:

PreventionGenetics, part of Exact Sciences
Classification: Uncertain significance for COL6A3-related condition. Last evaluated: 2022-10-04. Review status: criteria provided, single submitter. Criteria: ACMG Guidelines, 2015. Collection method: clinical testing. Allele origin: germline.
Comment: The COL6A3 c.5684C>G variant is predicted to result in the amino acid substitution p.Ser1895Trp. To our knowledge, this variant has not been reported in the literature or in a large population database, indicating this variant is rare. At this time, the clinical significance of this variant is uncertain due to the absence of conclusive functional and genetic evidence.